The following is an entry in ClinVar:

NM_001276270.2(MBD4):c.896C>A (p.Thr299Asn)

Gene: MBD4 (methyl-CpG binding domain 4, DNA glycosylase; minus strand). Cytogenetic location: 3q21.3.
Variant type: single nucleotide variant.
Coding change: c.896C>A on transcript NM_001276270.2 (MANE Select); coding-DNA position 896, C replaced by A.
Protein change: p.Thr299Asn; replaces threonine 299 with asparagine.
Molecular consequence: missense variant. On other transcripts: intron variant (1).
Genome position (GRCh38, 1-based): chr3:129,436,748, G>T on the plus strand (C>A on the coding strand, the complement: MBD4 is on the minus strand). VCF-style: chr3-129436748-G-T. GRCh37 (hg19) VCF-style: chr3-129155591-G-T.
Other names: c.896C>A, p.Thr299Asn (NM_001276271.2, NM_001276272.2, NM_003925.3); c.247+1060C>A (NM_001276273.2); short protein forms T299N.
Identifiers: ClinVar variation 4052214 (VCV004052214.1).
Genomic context (GRCh38, chr3:129,436,748, plus strand): 5'-GAACTCAATGATCTTTCTTTTTTTTTTACAAGGCTGTTTTCTTCACTGGTCACACTGAGG[G>T]TCTCACCACATGCTCCAGCATCAGAAATGCAGACAGTTCTATCAAGCTGACTTTTTTGTG-3'
Protein context (NP_001263199.1, residues 289-309): CISDAGACGE[Thr299Asn]LSVTSEENSL

ClinVar aggregate classification (germline): Uncertain significance (1 of 4 stars; one submission).

Conditions:
Inborn genetic diseases. Identifiers: MedGen C0950123, MeSH D030342.

Submission:

Ambry Genetics
Classification: Uncertain significance for Inborn genetic diseases. Last evaluated: 2025-04-20. Review status: criteria provided, single submitter. Criteria: Ambry Variant Classification Scheme 2023. Collection method: clinical testing. Allele origin: germline.
Comment: The p.T299N variant (also known as c.896C>A), located in coding exon 3 of the MBD4 gene, results from a C to A substitution at nucleotide position 896. The threonine at codon 299 is replaced by asparagine, an amino acid with similar properties. This amino acid position is conserved. In addition, this alteration is predicted to be tolerated by in silico analysis. Based on the available evidence, the clinical significance of this variant remains unclear.